The following is an entry in ClinVar:

ClinVar aggregate classification (germline): Pathogenic (1 of 4 stars; one submission).

Submission:

Labcorp Genetics (formerly Invitae), Labcorp
Classification: Pathogenic. Last evaluated: 2024-10-24. Review status: criteria provided, single submitter. Criteria: Invitae Variant Classification Sherloc (09022015). Collection method: clinical testing. Allele origin: germline.
Comment: This sequence change creates a premature translational stop signal (p.Arg2987Glyfs*26) in the PCNT gene. It is expected to result in an absent or disrupted protein product. Loss-of-function variants in PCNT are known to be pathogenic (PMID: 18174396, 22821869). This variant is not present in population databases (gnomAD no frequency). This variant has not been reported in the literature in individuals affected with PCNT-related conditions. ClinVar contains an entry for this variant (Variation ID: 2007969). For these reasons, this variant has been classified as Pathogenic.

Literature cited by the submitters: PubMed 18174396; PubMed 22821869.

NM_006031.6(PCNT):c.8959del (p.Arg2987fs)

Gene: PCNT (pericentrin; plus strand). Cytogenetic location: 21q22.3.
Variant type: Deletion.
Coding change: c.8959del on transcript NM_006031.6 (MANE Select); coding-DNA position 8959, one base deleted (C; older notation c.8959delC).
Protein change: p.Arg2987fs; shifts the reading frame from arginine 2987.
Molecular consequence: frameshift variant.
Genome position (GRCh38, 1-based): chr21:46,436,111, C deleted; the last of 3 consecutive C bases (chr21:46,436,109-46,436,111); deleting any one gives the same sequence. VCF-style (leftmost placement, unchanged base first): chr21-46436108-GC-G. GRCh37 (hg19) VCF-style: chr21-47856021-GC-G.
Other names: c.8368del, p.Arg2790fs (NM_001315529.2); short protein forms R2790fs, R2987fs.
Identifiers: ClinVar variation 2007969 (VCV002007969.4), dbSNP rs2519056930, ClinGen allele CA2580099054.